The following is an entry in ClinVar:

NM_001020658.2(PUM1):c.1876C>T (p.Gln626Ter)

Gene: PUM1 (pumilio RNA binding family member 1; minus strand). Cytogenetic location: 1p35.2.
Variant type: single nucleotide variant.
Coding change: c.1876C>T on transcript NM_001020658.2 (MANE Select); coding-DNA position 1876, C replaced by T.
Protein change: p.Gln626Ter; replaces glutamine 626 with a stop codon.
Molecular consequence: nonsense.
Genome position (GRCh38, 1-based): chr1:30,966,192, G>A on the plus strand (C>T on the coding strand, the complement: PUM1 is on the minus strand). VCF-style: chr1-30966192-G-A. GRCh37 (hg19) VCF-style: chr1-31439039-G-A.
Other names: c.1876C>T, p.Gln626Ter (NM_014676.3); short protein forms Q626*.
Identifiers: ClinVar variation 2682270 (VCV002682270.1), dbSNP rs2521564145, ClinGen allele CA339566416.

ClinVar aggregate classification (germline): Likely pathogenic (1 of 4 stars; one submission).

Conditions:
PUM1-related disorder. Also called: PUM1-related condition; PUM1-related disorders.

Submission:

Women's Health and Genetics/Laboratory Corporation of America, LabCorp
Classification: Likely pathogenic for PUM1-Related Disorders. Last evaluated: 2023-11-27. Review status: criteria provided, single submitter. Criteria: LabCorp Variant Classification Summary - May 2015. Collection method: clinical testing. Allele origin: germline.
Comment: Variant summary: PUM1 c.1876C>T (p.Gln626X) results in a premature termination codon, predicted to cause a truncation of the encoded protein or absence of the protein due to nonsense mediated decay, which are commonly known mechanisms for disease. The variant was absent in 251206 control chromosomes. To our knowledge, no occurrence of c.1876C>T in individuals affected with Spinocerebellar Ataxia 47 and no experimental evidence demonstrating its impact on protein function have been reported. No submitters have cited clinical-significance assessments for this variant to ClinVar after 2014. Based on the evidence outlined above, the variant was classified as likely pathogenic.